The following is an entry in ClinVar:

NM_005956.4(MTHFD1):c.1141C>T (p.Pro381Ser)

Gene: MTHFD1 (methylenetetrahydrofolate dehydrogenase, cyclohydrolase and formyltetrahydrofolate synthetase 1; plus strand). Cytogenetic location: 14q23.3.
Variant type: single nucleotide variant.
Coding change: c.1141C>T on transcript NM_005956.4 (MANE Select); coding-DNA position 1141, C replaced by T.
Protein change: p.Pro381Ser; replaces proline 381 with serine.
Molecular consequence: missense variant.
Genome position (GRCh38, 1-based): chr14:64,427,350, C>T. VCF-style: chr14-64427350-C-T. GRCh37 (hg19) VCF-style: chr14-64894068-C-T.
Other names: c.1141C>T, p.Pro381Ser (NM_001364837.1); short protein forms P381S.
Identifiers: ClinVar variation 1485190 (VCV001485190.5), dbSNP rs769927214, ClinGen allele CA7226148.
Genomic context (GRCh38, chr14:64,427,350, plus strand): 5'-TACACTTAATTCTTTAAACCTTTTTCTCTTTTGCTTTCGTCTTGAAGAATAACTCCAACA[C>T]CCCTGGGAGAAGGGAAAAGCACAACTACAATCGGGCTAGTGCAAGCCCTTGGTGCCCATC-3'
Protein context (NP_005947.3, residues 371-391): YVVVTGITPT[Pro381Ser]LGEGKSTTTI

ClinVar aggregate classification (germline): Uncertain significance (1 of 4 stars; one submission).

Allele frequency attached by ClinVar (database versions not stated): ExAC 0.00001; gnomAD 0.00002; TOPMed 0.00005.
gnomAD v4.1: 15 of 1,614,108 alleles (0.00093%); highest among the groups gnomAD compares: Admixed American, 0.005%; no homozygotes.

Submission:

Labcorp Genetics (formerly Invitae), Labcorp
Classification: Uncertain significance. Last evaluated: 2022-06-13. Review status: criteria provided, single submitter. Criteria: Invitae Variant Classification Sherloc (09022015). Collection method: clinical testing. Allele origin: germline.
Comment: This sequence change replaces proline, which is neutral and non-polar, with serine, which is neutral and polar, at codon 381 of the MTHFD1 protein (p.Pro381Ser). This variant is present in population databases (rs769927214, gnomAD 0.003%). This variant has not been reported in the literature in individuals affected with MTHFD1-related conditions. Algorithms developed to predict the effect of missense changes on protein structure and function are either unavailable or do not agree on the potential impact of this missense change (SIFT: "Deleterious"; PolyPhen-2: "Probably Damaging"; Align-GVGD: "Class C0"). In summary, the available evidence is currently insufficient to determine the role of this variant in disease. Therefore, it has been classified as a Variant of Uncertain Significance.